The following is an entry in ClinVar:

ClinVar aggregate classification (germline): Benign/Likely benign. Review status: criteria provided, multiple submitters, no conflicts (2 of 4 stars). 2 submissions from 2 submitters: Benign (1); Likely benign (1). Last evaluated 2025-02-05.

Conditions:
POLD1-related polyposis and colorectal cancer syndrome (CRCS10). Also called: Colorectal cancer, susceptibility to, 10; Colorectal cancer 10; COLORECTAL CANCER, SUSCEPTIBILITY TO, ON CHROMOSOME 19q. Identifiers: Orphanet 220460, MedGen C2675481, MONDO:0012953, OMIM 612591.

Submissions (2):

Myriad Genetics, Inc.
Classification: Benign for POLD1-related polyposis and colorectal cancer syndrome. Last evaluated: 2025-02-05. Review status: criteria provided, single submitter. Criteria: Myriad Autosomal Dominant, Autosomal Recessive and X-Linked Classification Criteria (2023). Collection method: clinical testing. Allele origin: unknown.
Comment: This variant is considered benign. This variant is a silent/synonymous amino acid change and it is not expected to impact splicing.

Labcorp Genetics (formerly Invitae), Labcorp
Classification: Likely benign for POLD1-related polyposis and colorectal cancer syndrome. Last evaluated: 2022-11-01. Review status: criteria provided, single submitter. Criteria: Invitae Variant Classification Sherloc (09022015). Collection method: clinical testing. Allele origin: germline.

NM_002691.4(POLD1):c.990G>A (p.Glu330=)

Gene: POLD1 (DNA polymerase delta 1, catalytic subunit; plus strand). Cytogenetic location: 19q13.33.
Variant type: single nucleotide variant.
Coding change: c.990G>A on transcript NM_002691.4 (MANE Select); coding-DNA position 990, G replaced by A.
Protein change: p.Glu330=; no amino-acid change (glutamic acid 330 retained).
Molecular consequence: synonymous variant. On other transcripts: non-coding transcript variant (1).
Genome position (GRCh38, 1-based): chr19:50,403,072, G>A. VCF-style: chr19-50403072-G-A. GRCh37 (hg19) VCF-style: chr19-50906329-G-A.
Other names: c.990G>A, p.Glu330= (NM_001256849.1, NM_001308632.1).
Identifiers: ClinVar variation 1105526 (VCV001105526.10), dbSNP rs2038721920, ClinGen allele CA508182432.